The following is an entry in ClinVar:

ClinVar aggregate classification (germline): Benign (1 of 4 stars; one submission).

Submission:

CeGaT Center for Human Genetics Tuebingen
Classification: Benign. Last evaluated: 2022-11-01. Review status: criteria provided, single submitter. Criteria: CeGaT Center For Human Genetics Tuebingen Variant Classification Criteria Version 2. Collection method: clinical testing. Allele origin: germline. Affected: yes. Observed: 1 variant allele.
Comment: DSPP: BS1, BS2

NM_014208.3(DSPP):c.3318_3326del (p.1095DSS[8])

Genes: DMP1-AS1 (DMP1 and DSPP antisense RNA 1; minus strand), DSPP (dentin sialophosphoprotein; plus strand). Cytogenetic location: 4q22.1.
Variant type: Deletion.
Coding change: c.3318_3326del on transcript NM_014208.3 (MANE Select); coding-DNA positions 3318 to 3326, 9 bases deleted (CGATAGCAG; older notation c.3318_3326delCGATAGCAG).
Protein change: p.1095DSS[8].
Molecular consequence: inframe deletion.
Genome position (GRCh38, 1-based): chr4:87,615,980-87,615,988, CGATAGCAG deleted; deleting any 9 consecutive bases within chr4:87,615,975-87,615,988 gives the same sequence; the c. name uses the placement nearest the transcript's 3' end. VCF-style (leftmost placement, unchanged base first): chr4-87615974-CAGCAGCGAT-C. GRCh37 (hg19) VCF-style: chr4-88537126-CAGCAGCGAT-C.
Identifiers: ClinVar variation 1879608 (VCV001879608.29), dbSNP rs751422415, ClinGen allele CA3001583.
Genomic context (GRCh38, chr4:87,615,974, plus strand): 5'-CAGTGATAGCAGTGACAGCAGCAATAGCAGTGACAGCAGCGATAGCAGCGACAGCAGCGA[CAGCAGCGAT>C]AGCAGTGACAGCAGCGATAGCAGTGACAGCAGTGACAGCAGCAATAGCAGTGACAGCAGT-3'